The following is an entry in ClinVar:

NM_007294.4(BRCA1):c.1401del (p.Lys468fs)

Gene: BRCA1 (BRCA1 DNA repair associated; minus strand). Cytogenetic location: 17q21.31.
Variant type: Deletion.
Coding change: c.1401del on transcript NM_007294.4 (MANE Select); coding-DNA position 1401, one base deleted (G; older notation c.1401delG).
Protein change: p.Lys468fs; shifts the reading frame from lysine 468.
Molecular consequence: frameshift variant. On other transcripts: intron variant (137).
Genome position (GRCh38, 1-based): chr17:43,094,130, C deleted on the plus strand (G on the coding strand, the reverse complement: BRCA1 is on the minus strand). VCF-style (leftmost placement, unchanged base first): chr17-43094129-TC-T. GRCh37 (hg19) VCF-style: chr17-41246146-TC-T.
Other names: c.897del, p.Lys300fs (NM_001407965.1); c.513del, p.Lys172fs (NM_001407966.1, NM_001407967.1); c.1260del, p.Lys421fs (NM_007297.4, NM_001407692.1, NM_001407694.1 and 29 more transcripts); c.1401del, p.Lys468fs (NM_007300.4, NM_001407639.1, NM_001407640.1 and 30 more transcripts); c.646+614del (NM_001408458.1, NM_001408469.1, NM_001408453.1 and 11 more transcripts); c.283+614del (NM_001408512.1); c.406+614del (NM_001408510.1); c.643+614del (NM_001408470.1, NM_001408464.1, NM_001408468.1 and 3 more transcripts); and 40 more; short protein forms K172fs, K300fs, K421fs, K427fs, K441fs, K465fs, K341fs, K379fs.
Identifiers: ClinVar variation 5033210 (VCV005033210.1).
Genomic context (GRCh38, chr17:43,094,129, plus strand): 5'-TAACAAATGCTCCTATAATTAGATTTTCAGTTACATGGCTTAAGTTGGGGAGGCTTGCCT[TC>T]TTCCGATAGGTTTTCCCAAATATTTTGTCTTCAATATTACTCTCTACTGATTTGGAGTGA-3'

ClinVar aggregate classification (germline): Pathogenic (1 of 4 stars; one submission).

Conditions:
Hereditary cancer-predisposing syndrome. Also called: Neoplastic Syndromes, Hereditary; Tumor predisposition; Hereditary neoplastic syndrome; Hereditary Cancer Syndrome. Identifiers: Orphanet 140162, MedGen C0027672, MeSH D009386, MONDO:0015356.

Submission:

Ambry Genetics
Classification: Pathogenic for Hereditary cancer-predisposing syndrome. Last evaluated: 2026-08-26. Review status: criteria provided, single submitter. Criteria: Ambry Variant Classification Scheme 2023. Collection method: clinical testing. Allele origin: germline.
Comment: The c.1401delG pathogenic mutation, located in coding exon 9 of the BRCA1 gene, results from a deletion of one nucleotide at nucleotide position 1401, causing a translational frameshift with a predicted alternate stop codon (p.K468Rfs*7). This variant is considered to be rare based on population cohorts in the Genome Aggregation Database (gnomAD). This alteration is expected to result in loss of function by premature protein truncation or nonsense-mediated mRNA decay. As such, this alteration is interpreted as a disease-causing mutation.